The following is an entry in ClinVar:

ClinVar aggregate classification (germline): Uncertain significance (1 of 4 stars; one submission).

Conditions:
Developmental and epileptic encephalopathy, 12 (DEE12). Identifiers: MedGen C3150988, MONDO:0013389, OMIM 613722.

Submission:

Labcorp Genetics (formerly Invitae), Labcorp
Classification: Uncertain significance for Developmental and epileptic encephalopathy, 12. Last evaluated: 2022-08-31. Review status: criteria provided, single submitter. Criteria: Invitae Variant Classification Sherloc (09022015). Collection method: clinical testing. Allele origin: germline.
Comment: Information on the frequency of this variant in the gnomAD database is not available, as this variant may be reported differently in the database. This sequence change falls in intron 7 of the PNKP gene. It does not directly change the encoded amino acid sequence of the PNKP protein. In summary, the available evidence is currently insufficient to determine the role of this variant in disease. Therefore, it has been classified as a Variant of Uncertain Significance. Algorithms developed to predict the effect of sequence changes on RNA splicing suggest that this variant may disrupt the consensus splice site. This variant has not been reported in the literature in individuals affected with PNKP-related conditions.

NM_007254.4(PNKP):c.745-7_745-6delinsAA

Gene: PNKP (polynucleotide kinase 3'-phosphatase; minus strand). Cytogenetic location: 19q13.33.
Variant type: Indel.
Coding change: c.745-7_745-6delinsAA on transcript NM_007254.4 (MANE Select); 7 bases into the intron before coding-DNA position 745 through 6 bases into the intron before coding-DNA position 745, TC replaced by AA.
Molecular consequence: intron variant.
Genome position (GRCh38, 1-based): chr19:49,863,766-49,863,767, GA replaced by TT on the plus strand (TC replaced by AA on the coding strand, the reverse complement: PNKP is on the minus strand). VCF-style: chr19-49863766-GA-TT. GRCh37 (hg19) VCF-style: chr19-50367023-GA-TT.
Identifiers: ClinVar variation 2093302 (VCV002093302.4), dbSNP rs2514638777, ClinGen allele CA2580097583.